The following is an entry in ClinVar:

NM_001103.4(ACTN2):c.161A>G (p.Lys54Arg)

Gene: ACTN2 (actinin alpha 2; plus strand). Cytogenetic location: 1q43.
Variant type: single nucleotide variant.
Coding change: c.161A>G on transcript NM_001103.4 (MANE Select); coding-DNA position 161, A replaced by G.
Protein change: p.Lys54Arg; replaces lysine 54 with arginine.
Molecular consequence: missense variant. On other transcripts: 5 prime UTR variant (1).
Genome position (GRCh38, 1-based): chr1:236,717,892, A>G. VCF-style: chr1-236717892-A-G. GRCh37 (hg19) VCF-style: chr1-236881192-A-G.
Other names: c.161A>G, p.Lys54Arg (NM_001278343.2); c.-661A>G (NM_001278344.2); c.-786A>G (NM_001412150.1); short protein forms K54R.
Identifiers: ClinVar variation 1953195 (VCV001953195.5), dbSNP rs2527534671, ClinGen allele CA345373248.

ClinVar aggregate classification (germline): Uncertain significance (1 of 4 stars; one submission).

Conditions:
Dilated cardiomyopathy 1AA (CMD1AA). Also called: Cardiomyopathy, dilated, 1AA, with or without LVNC; CARDIOMYOPATHY, DILATED, 1AA, WITH OR WITHOUT LEFT VENTRICULAR NONCOMPACTION; CARDIOMYOPATHY, FAMILIAL HYPERTROPHIC, 23, WITH OR WITHOUT LEFT VENTRICULAR NONCOMPACTION. Identifiers: Orphanet 154, MedGen C2677338, MONDO:0012808, OMIM 612158.
Primary familial hypertrophic cardiomyopathy (HCM). Identifiers: Orphanet 99739, MedGen C0949658, MeSH D024741, MONDO:0024573. Inheritance: Various modes of inheritance.

Submission:

Labcorp Genetics (formerly Invitae), Labcorp
Classification: Uncertain significance for Primary familial hypertrophic cardiomyopathy; Dilated cardiomyopathy 1AA. Last evaluated: 2021-12-18. Review status: criteria provided, single submitter. Criteria: Invitae Variant Classification Sherloc (09022015). Collection method: clinical testing. Allele origin: germline.
Comment: In summary, the available evidence is currently insufficient to determine the role of this variant in disease. Therefore, it has been classified as a Variant of Uncertain Significance. Advanced modeling of protein sequence and biophysical properties (such as structural, functional, and spatial information, amino acid conservation, physicochemical variation, residue mobility, and thermodynamic stability) performed at Invitae indicates that this missense variant is not expected to disrupt ACTN2 protein function. This variant has not been reported in the literature in individuals affected with ACTN2-related conditions. This variant is not present in population databases (gnomAD no frequency). This sequence change replaces lysine, which is basic and polar, with arginine, which is basic and polar, at codon 54 of the ACTN2 protein (p.Lys54Arg).